The following is an entry in ClinVar:

NM_003998.4(NFKB1):c.401T>C (p.Val134Ala)

Gene: NFKB1 (nuclear factor kappa B subunit 1; plus strand). Cytogenetic location: 4q24.
Variant type: single nucleotide variant.
Coding change: c.401T>C on transcript NM_003998.4 (MANE Select); coding-DNA position 401, T replaced by C.
Protein change: p.Val134Ala; replaces valine 134 with alanine.
Molecular consequence: missense variant.
Genome position (GRCh38, 1-based): chr4:102,567,129, T>C. VCF-style: chr4-102567129-T-C. GRCh37 (hg19) VCF-style: chr4-103488286-T-C.
Other names: c.398T>C, p.Val133Ala (NM_001165412.2, NM_001319226.2, NM_001382627.1); c.401T>C, p.Val134Ala (NM_001382625.1, NM_001382626.1); c.359T>C, p.Val120Ala (NM_001382628.1); short protein forms V134A, V120A, V133A.
Identifiers: ClinVar variation 4744555 (VCV004744555.1).

ClinVar aggregate classification (germline): Uncertain significance (1 of 4 stars; one submission).

Submission:

Labcorp Genetics (formerly Invitae), Labcorp
Classification: Uncertain significance. Last evaluated: 2025-11-10. Review status: criteria provided, single submitter. Criteria: Invitae Variant Classification Sherloc (09022015). Collection method: clinical testing. Allele origin: germline.
Comment: This sequence change replaces valine, which is neutral and non-polar, with alanine, which is neutral and non-polar, at codon 134 of the NFKB1 protein (p.Val134Ala). This variant is not present in population databases (gnomAD no frequency). This variant has not been reported in the literature in individuals affected with NFKB1-related conditions. Invitae Evidence Modeling of protein sequence and biophysical properties (such as structural, functional, and spatial information, amino acid conservation, physicochemical variation, residue mobility, and thermodynamic stability) indicates that this missense variant is expected to disrupt NFKB1 protein function with a positive predictive value of 80%. In summary, the available evidence is currently insufficient to determine the role of this variant in disease. Therefore, it has been classified as a Variant of Uncertain Significance.